The following is an entry in ClinVar:

NM_000057.4(BLM):c.3346G>T (p.Asp1116Tyr)

Gene: BLM (BLM RecQ like helicase; plus strand). Cytogenetic location: 15q26.1.
Variant type: single nucleotide variant.
Coding change: c.3346G>T on transcript NM_000057.4 (MANE Select); coding-DNA position 3346, G replaced by T.
Protein change: p.Asp1116Tyr; replaces aspartic acid 1116 with tyrosine.
Molecular consequence: missense variant.
Genome position (GRCh38, 1-based): chr15:90,798,325, G>T. VCF-style: chr15-90798325-G-T. GRCh37 (hg19) VCF-style: chr15-91341555-G-T.
Other names: c.3346G>T, p.Asp1116Tyr (NM_001287246.2, NM_001287247.2); c.2221G>T, p.Asp741Tyr (NM_001287248.2); short protein forms D1116Y, D741Y.
Identifiers: ClinVar variation 4746456 (VCV004746456.1).

ClinVar aggregate classification (germline): Uncertain significance (1 of 4 stars; one submission).

Conditions:
Bloom syndrome (BLM). Also called: Bloom-Torre-Machacek syndrome. Identifiers: Orphanet 125, MedGen C0005859, MONDO:0008876, OMIM 210900.

Submission:

Labcorp Genetics (formerly Invitae), Labcorp
Classification: Uncertain significance for Bloom syndrome. Last evaluated: 2025-12-09. Review status: criteria provided, single submitter. Criteria: Invitae Variant Classification Sherloc (09022015). Collection method: clinical testing. Allele origin: germline.
Comment: This sequence change replaces aspartic acid, which is acidic and polar, with tyrosine, which is neutral and polar, at codon 1116 of the BLM protein (p.Asp1116Tyr). This variant is not present in population databases (gnomAD no frequency). This variant has not been reported in the literature in individuals affected with BLM-related conditions. Invitae Evidence Modeling of protein sequence and biophysical properties (such as structural, functional, and spatial information, amino acid conservation, physicochemical variation, residue mobility, and thermodynamic stability) indicates that this missense variant is expected to disrupt BLM protein function with a positive predictive value of 80%. In summary, the available evidence is currently insufficient to determine the role of this variant in disease. Therefore, it has been classified as a Variant of Uncertain Significance.